The following is an entry in ClinVar:

ClinVar aggregate classification (germline): Uncertain significance (1 of 4 stars; one submission).

Allele frequency attached by ClinVar (database versions not stated): gnomAD exomes below 0.00001 and 0.00001; ExAC 0.00001; TOPMed 0.00001.
gnomAD v4.1: 7 of 1,614,114 alleles (0.00043%); highest among the groups gnomAD compares: East Asian, 0.0022%; no homozygotes.

Submission:

Labcorp Genetics (formerly Invitae), Labcorp
Classification: Uncertain significance. Last evaluated: 2024-09-09. Review status: criteria provided, single submitter. Criteria: Invitae Variant Classification Sherloc (09022015). Collection method: clinical testing. Allele origin: germline.
Comment: This sequence change replaces arginine, which is basic and polar, with histidine, which is basic and polar, at codon 150 of the GNB3 protein (p.Arg150His). This variant is present in population databases (rs782388688, gnomAD 0.006%). This variant has not been reported in the literature in individuals affected with GNB3-related conditions. ClinVar contains an entry for this variant (Variation ID: 1359089). Invitae Evidence Modeling of protein sequence and biophysical properties (such as structural, functional, and spatial information, amino acid conservation, physicochemical variation, residue mobility, and thermodynamic stability) indicates that this missense variant is expected to disrupt GNB3 protein function with a positive predictive value of 80%. In summary, the available evidence is currently insufficient to determine the role of this variant in disease. Therefore, it has been classified as a Variant of Uncertain Significance.

NM_002075.4(GNB3):c.449G>A (p.Arg150His)

Gene: GNB3 (G protein subunit beta 3; plus strand). Cytogenetic location: 12p13.31.
Variant type: single nucleotide variant.
Coding change: c.449G>A on transcript NM_002075.4 (MANE Select); coding-DNA position 449, G replaced by A.
Protein change: p.Arg150His; replaces arginine 150 with histidine.
Molecular consequence: missense variant.
Genome position (GRCh38, 1-based): chr12:6,843,650, G>A. VCF-style: chr12-6843650-G-A. GRCh37 (hg19) VCF-style: chr12-6952814-G-A.
Other names: c.449G>A, p.Arg150His (NM_001297571.2); short protein forms R150H.
Identifiers: ClinVar variation 1359089 (VCV001359089.6), dbSNP rs782388688, ClinGen allele CA6417548.